The following is an entry in ClinVar:

ClinVar aggregate classification (germline): Likely benign. Review status: criteria provided, single submitter (1 of 4 stars). 2 submissions from 2 submitters: Likely benign (1). 1 of the submissions does not count toward it. Last evaluated 2025-01-30.

Conditions:
TMC1-related disorder. Also called: TMC1-related disorders; TMC1-related condition.

Allele frequency attached by ClinVar (database versions not stated): ExAC 0.00002; gnomAD exomes 0.00004; TOPMed 0.00004; gnomAD 0.00005; 1000 Genomes Project 30x 0.00031; 1000 Genomes Project 0.00040.
gnomAD v4.1: 58 of 1,613,816 alleles (0.0036%); highest among the groups gnomAD compares: East Asian, 0.042%; no homozygotes.

Submissions (2):

Labcorp Genetics (formerly Invitae), Labcorp
Classification: Likely benign. Last evaluated: 2025-01-30. Review status: criteria provided, single submitter. Criteria: Invitae Variant Classification Sherloc (09022015). Collection method: clinical testing. Allele origin: germline.

PreventionGenetics, part of Exact Sciences
Classification: Likely benign for TMC1-related condition. Last evaluated: 2019-08-01. Review status: no assertion criteria provided. Collection method: clinical testing. Allele origin: germline. Not counted in ClinVar's aggregate classification.
Comment: This variant is classified as likely benign based on ACMG/AMP sequence variant interpretation guidelines (Richards et al. 2015 PMID: 25741868, with internal and published modifications).

NM_138691.3(TMC1):c.759C>T (p.Ser253=)

Gene: TMC1 (transmembrane channel like 1; plus strand). Cytogenetic location: 9q21.13.
Variant type: single nucleotide variant.
Coding change: c.759C>T on transcript NM_138691.3 (MANE Select); coding-DNA position 759, C replaced by T.
Protein change: p.Ser253=; no amino-acid change (serine 253 retained).
Molecular consequence: synonymous variant.
Genome position (GRCh38, 1-based): chr9:72,772,430, C>T. VCF-style: chr9-72772430-C-T. GRCh37 (hg19) VCF-style: chr9-75387346-C-T.
Other names: c.759C>T (NM_138691.2).
Identifiers: ClinVar variation 2721169 (VCV002721169.5), dbSNP rs143200611, ClinGen allele CA5081784.